The following is an entry in ClinVar:

NM_018668.5(VPS33B):c.319C>T (p.Arg107Ter)

Gene: VPS33B (VPS33B late endosome and lysosome associated; minus strand). Cytogenetic location: 15q26.1.
Variant type: single nucleotide variant.
Coding change: c.319C>T on transcript NM_018668.5 (MANE Select); coding-DNA position 319, C replaced by T.
Protein change: p.Arg107Ter; replaces arginine 107 with a stop codon.
Molecular consequence: nonsense.
Genome position (GRCh38, 1-based): chr15:91,013,842, G>A on the plus strand (C>T on the coding strand, the complement: VPS33B is on the minus strand). VCF-style: chr15-91013842-G-A. GRCh37 (hg19) VCF-style: chr15-91557072-G-A.
Other names: c.238C>T, p.Arg80Ter (NM_001289148.1); c.46C>T, p.Arg16Ter (NM_001289149.1); short protein forms R107*, R80*, R16*.
Identifiers: ClinVar variation 375326 (VCV000375326.9), dbSNP rs1057519063, ClinGen allele CA393859958.

ClinVar aggregate classification (germline): Pathogenic/Likely pathogenic. Review status: criteria provided, multiple submitters, no conflicts (2 of 4 stars). 4 submissions from 4 submitters: Pathogenic (2); Likely pathogenic (2). Last evaluated 2026-02-13.

Conditions:
Arthrogryposis, renal dysfunction, and cholestasis 1 (ARCS1). Identifiers: Orphanet 2697, MedGen C1859722, MONDO:0008822, OMIM 208085.
Keratoderma-ichthyosis-deafness syndrome, autosomal recessive (KDIDAR). Identifiers: MedGen C5774200, MONDO:0859278, OMIM 620009.
Cholestasis, progressive familial intrahepatic, 12 (PFIC12). Also called: CHOLESTASIS, ISOLATED LOW-GGT. Identifiers: MedGen C5774311, MONDO:0031040, OMIM 620010.
VPS33B-related disorder. Also called: VPS33B-related condition.

Allele frequency attached by ClinVar (database versions not stated): gnomAD exomes 0.00001.

Submissions (4):

OLLIN Analises Genomicas, OLLIN
Classification: Likely pathogenic for Arthrogryposis, renal dysfunction, and cholestasis 1. Last evaluated: 2026-02-13. Review status: criteria provided, single submitter. Criteria: ACMG Guidelines 2015 PMID 25741868. Collection method: clinical testing. Allele origin: germline. Observed: 1 variant allele.
Comment: PVS1, PM2_P

Fulgent Genetics
Classification: Pathogenic for Arthrogryposis, renal dysfunction, and cholestasis 1; Keratoderma-ichthyosis-deafness syndrome, autosomal recessive; Cholestasis, progressive familial intrahepatic, 12. Last evaluated: 2024-04-14. Review status: criteria provided, single submitter. Criteria: ACMG Guidelines, 2015. Collection method: clinical testing. Allele origin: germline.

Blueprint Genetics
Classification: Likely pathogenic for VPS33B-related disorders. Last evaluated: 2024-03-19. Review status: criteria provided, single submitter. Criteria: ACMG Guidelines, 2015. Collection method: clinical testing. Allele origin: germline. Affected: yes. Observed: 1 variant allele.

Labcorp Genetics (formerly Invitae), Labcorp
Classification: Pathogenic. Last evaluated: 2022-09-13. Review status: criteria provided, single submitter. Criteria: Invitae Variant Classification Sherloc (09022015). Collection method: clinical testing. Allele origin: germline.
Comment: This sequence change creates a premature translational stop signal (p.Arg107*) in the VPS33B gene. It is expected to result in an absent or disrupted protein product. Loss-of-function variants in VPS33B are known to be pathogenic (PMID: 15052268, 16896922). This variant is not present in population databases (gnomAD no frequency). This premature translational stop signal has been observed in individual(s) with arthrogryposis, renal dysfunction and cholestasis (ARC) syndrome (PMID: 16896922). This variant is also known as p.Arg97X. ClinVar contains an entry for this variant (Variation ID: 375326). For these reasons, this variant has been classified as Pathogenic.

Literature cited by the submitters: PubMed 15052268 (cited by Labcorp Genetics (formerly Invitae), Labcorp); PubMed 16896922 (cited by Labcorp Genetics (formerly Invitae), Labcorp).